The following is an entry in ClinVar:

ClinVar aggregate classification (germline): Pathogenic (1 of 4 stars; one submission).

Conditions:
DICER1-related tumor predisposition. Also called: DICER1-related pleuropulmonary blastoma cancer predisposition syndrome; DICER1 syndrome. Identifiers: Orphanet 284343, MedGen C3839822, MONDO:0100216.

Submission:

Foulkes Cancer Genetics LDI, Lady Davis Institute for Medical Research
Classification: Pathogenic for Pleuropulmonary blastoma. Last evaluated: 2019-07-01. Review status: criteria provided, single submitter. Criteria: ACMG Guidelines, 2015. Collection method: curation. Allele origin: germline. Affected: yes. Observed: 1 variant allele.
Comment: ACMG criteria met: PVS1, PM2, PM7, PP4

Literature cited by the submitters: PubMed 26556299.

NM_177438.3(DICER1):c.1586del (p.Pro529fs)

Gene: DICER1 (dicer 1, ribonuclease III; minus strand). Cytogenetic location: 14q32.13.
Variant type: Deletion.
Coding change: c.1586del on transcript NM_177438.3 (MANE Select); coding-DNA position 1586, one base deleted (C; older notation c.1586delC).
Protein change: p.Pro529fs; shifts the reading frame from proline 529.
Molecular consequence: frameshift variant.
Genome position (GRCh38, 1-based): chr14:95,116,619, G deleted on the plus strand (C on the coding strand, the reverse complement: DICER1 is on the minus strand); the first of 2 consecutive G bases (chr14:95,116,619-95,116,620); deleting either gives the same sequence. VCF-style (leftmost placement, unchanged base first): chr14-95116618-TG-T. GRCh37 (hg19) VCF-style: chr14-95582955-TG-T.
Other names: c.1586del, p.Pro529fs (NM_001195573.1, NM_001271282.3, NM_001291628.2 and 1 more transcripts); short protein forms P529fs.
Identifiers: ClinVar variation 933098 (VCV000933098.3), dbSNP rs1892498387, ClinGen allele CA1139663670.